The following is an entry in ClinVar:

ClinVar aggregate classification (germline): Conflicting classifications of pathogenicity. Review status: criteria provided, conflicting classifications (1 of 4 stars). 8 submissions from 8 submitters: Uncertain significance (5); Likely benign (2). 1 of the submissions does not count toward it. Last evaluated 2025-03-23.

Conditions:
Fanconi anemia, complementation group S (FANCS). Identifiers: MedGen C4554406, MONDO:0054748, OMIM 617883.
Hereditary cancer-predisposing syndrome. Also called: Tumor predisposition; Neoplastic Syndromes, Hereditary; Hereditary Cancer Syndrome; Hereditary neoplastic syndrome. Identifiers: Orphanet 140162, MedGen C0027672, MeSH D009386, MONDO:0015356.
Hereditary breast ovarian cancer syndrome. Also called: Hereditary breast and ovarian cancer syndrome (HBOC); Hereditary breast and ovarian cancer syndrome; Hereditary breast and ovarian cancer; Hereditary breast and/or ovarian cancer syndrome; Breast and ovarian cancer; BRCA1- and BRCA2-Associated Hereditary Breast and Ovarian Cancer. Identifiers: Orphanet 145, MedGen C0677776, MeSH D061325, MONDO:0003582. Disease mechanism: loss of function.
Breast-ovarian cancer, familial, susceptibility to, 1 (BROVCA1). Also called: OVARIAN CANCER, SUSCEPTIBILITY TO; BRCA1 Hereditary Breast and Ovarian Cancer. Identifiers: Orphanet 145, MedGen C2676676, MONDO:0011450, OMIM 604370. Disease mechanism: loss of function.

Allele frequency attached by ClinVar (database versions not stated): gnomAD exomes 0.00001 and below 0.00001.
gnomAD v4.1: 1 of 1,614,162 alleles (0.000062%); highest among the groups gnomAD compares: East Asian, 0.0022%; no homozygotes.

Submissions (8):

Labcorp Genetics (formerly Invitae), Labcorp
Classification: Uncertain significance for Hereditary breast ovarian cancer syndrome. Last evaluated: 2025-03-23. Review status: criteria provided, single submitter. Criteria: Invitae Variant Classification Sherloc (09022015). Collection method: clinical testing. Allele origin: germline.
Comment: This sequence change replaces aspartic acid, which is acidic and polar, with asparagine, which is neutral and polar, at codon 330 of the BRCA1 protein (p.Asp330Asn). This variant is present in population databases (rs397507259, gnomAD 0.01%). This missense change has been observed in individual(s) with breast cancer and ovarian cancer (PMID: 14973102, 21965345, 34326862). ClinVar contains an entry for this variant (Variation ID: 37713). Invitae Evidence Modeling of protein sequence and biophysical properties (such as structural, functional, and spatial information, amino acid conservation, physicochemical variation, residue mobility, and thermodynamic stability) indicates that this missense variant is not expected to disrupt BRCA1 protein function with a negative predictive value of 80%. In summary, the available evidence is currently insufficient to determine the role of this variant in disease. Therefore, it has been classified as a Variant of Uncertain Significance.

Center for Genomic Medicine, Rigshospitalet, Copenhagen University Hospital
Classification: Likely benign. Last evaluated: 2025-03-04. Review status: criteria provided, single submitter. Criteria: ACMG Guidelines, 2015. Collection method: clinical testing. Allele origin: germline.

Department of Pathology and Laboratory Medicine, Sinai Health System
Classification: Uncertain significance for Fanconi anemia, complementation group S. Last evaluated: 2024-11-04. Review status: criteria provided, single submitter. Criteria: ACMG Guidelines, 2015. Collection method: clinical testing. Allele origin: germline.

Ambry Genetics
Classification: Uncertain significance for Hereditary cancer-predisposing syndrome. Last evaluated: 2024-05-24. Review status: criteria provided, single submitter. Criteria: Ambry Variant Classification Scheme 2023. Collection method: clinical testing. Allele origin: germline.
Comment: The p.D330N variant (also known as c.988G>A), located in coding exon 9 of the BRCA1 gene, results from a G to A substitution at nucleotide position 988. The aspartic acid at codon 330 is replaced by asparagine, an amino acid with highly similar properties. This alteration was identified in one individual from a cohort of ovarian cancer patients (Akbari MR, J. Med. Genet. 2011 Nov; 48(11):783-6). This amino acid position is well conserved in available vertebrate species. In addition, the in silico prediction for this alteration is inconclusive. Based on the available evidence, the clinical significance of this variant remains unclear.

All of Us Research Program, National Institutes of Health
Classification: Uncertain significance for Breast-ovarian cancer, familial, susceptibility to, 1. Last evaluated: 2023-08-08. Review status: criteria provided, single submitter. Criteria: ACMG Guidelines, 2015. Collection method: clinical testing. Allele origin: germline. Inheritance: Autosomal dominant inheritance. Observed: 2 variant alleles, 2 heterozygotes.
Comment: This study involves interpretation of variants in research participants for the purpose of population health screening. Participant phenotype was not available at the time of variant classification. Additional details can be found in publication PMID: 35346344, PMCID: PMC8962531

University of Washington Department of Laboratory Medicine, University of Washington
Classification: Likely benign for Hereditary cancer-predisposing syndrome. Last evaluated: 2023-03-23. Review status: criteria provided, single submitter. Criteria: Dines et al. (Genet Med. 2020). Collection method: curation. Allele origin: germline.
Comment: Missense variant in a coldspot region where missense variants are very unlikely to be pathogenic (PMID:31911673).

BRCA1 coldspot (exon 11 using historical exon numbering). Reclassification based on statistical prior probability

Color Diagnostics, LLC DBA Color Health
Classification: Uncertain significance for Hereditary cancer-predisposing syndrome. Last evaluated: 2019-03-14. Review status: criteria provided, single submitter. Criteria: ACMG Guidelines, 2015. Collection method: clinical testing. Allele origin: germline.

Sharing Clinical Reports Project (SCRP)
Classification: Uncertain significance for Breast-ovarian cancer, familial 1. Last evaluated: 2007-02-21. Review status: no assertion criteria provided. Collection method: clinical testing. Allele origin: germline. Not counted in ClinVar's aggregate classification.

Literature cited by the submitters: PubMed 14973102 (cited by Labcorp Genetics (formerly Invitae), Labcorp); PubMed 21965345 (cited by 3 submitters); PubMed 34326862 (cited by Labcorp Genetics (formerly Invitae), Labcorp); PubMed 35116780 (cited by Department of Pathology and Laboratory Medicine, Sinai Health System and Ambry Genetics).

NM_007294.4(BRCA1):c.988G>A (p.Asp330Asn)

Gene: BRCA1 (BRCA1 DNA repair associated; minus strand). Cytogenetic location: 17q21.31.
Variant type: single nucleotide variant.
Coding change: c.988G>A on transcript NM_007294.4 (MANE Select); coding-DNA position 988, G replaced by A.
Protein change: p.Asp330Asn; replaces aspartic acid 330 with asparagine.
Molecular consequence: missense variant. On other transcripts: intron variant (137).
Genome position (GRCh38, 1-based): chr17:43,094,543, C>T on the plus strand (G>A on the coding strand, the complement: BRCA1 is on the minus strand). VCF-style: chr17-43094543-C-T. GRCh37 (hg19) VCF-style: chr17-41246560-C-T.
Other names: c.862G>A, p.Asp288Asn (NM_001407688.1, NM_001407689.1, NM_001407690.1 and 11 more transcripts); c.847G>A, p.Asp283Asn (NM_001407692.1, NM_001407694.1, NM_001407695.1 and 29 more transcripts); c.844G>A, p.Asp282Asn (NM_001407740.1, NM_001407741.1, NM_001407742.1 and 20 more transcripts); c.775G>A, p.Asp259Asn (NM_001407853.1, NM_001407894.1, NM_001407895.1 and 9 more transcripts); c.988G>A, p.Asp330Asn (NM_001407854.1, NM_001407858.1, NM_001407859.1 and 30 more transcripts); c.985G>A, p.Asp329Asn (NM_001407860.1, NM_001407861.1, NM_001407587.1 and 22 more transcripts); c.787G>A, p.Asp263Asn (NM_001407862.1); c.865G>A, p.Asp289Asn (NM_001407863.1, NM_001407919.1, NM_001407937.1 and 19 more transcripts); and 40 more; short protein forms D330N, D283N, D242N, D260N, D282N, D289N, D303N, D34N.
Identifiers: ClinVar variation 37713 (VCV000037713.25), dbSNP rs397507259, ClinGen allele CA004002.
Genomic context (GRCh38, chr17:43,094,543, plus strand): 5'-TCTCACACAGGGGATCAGCATTCAGATCTACCTTTTTTTCTGTGCTGGGAGTCCGCCTAT[C>T]ATTACATGTTTCCTTACTTCCAGCCCATCTGTTATGTTGGCTCCTTGCTAAGCCAGGCTG-3'
Protein context (NP_009225.1, residues 320-340): RWAGSKETCN[Asp330Asn]RRTPSTEKKV